The following is an entry in ClinVar:

ClinVar aggregate classification (germline): Pathogenic. Review status: criteria provided, multiple submitters, no conflicts (2 of 4 stars). 15 submissions from 15 submitters: Pathogenic (12). 3 of the submissions do not count toward it. Last evaluated 2026-03-16.

Conditions:
Early-infantile DEE. Also called: Ohtahara syndrome; Early infantile epileptic encephalopathy; Early infantile epileptic encephalopathy with suppression bursts. Identifiers: Orphanet 1934, MedGen C0393706, MONDO:0800491.
SCN1A-related disorder. Also called: SCN1A-related conditions; SCN1A-related condition; SCN1A-related disorders.
Generalized epilepsy with febrile seizures plus, type 2 (GEFSP2). Also called: GEFS+, TYPE 2. Identifiers: Orphanet 36387, MedGen C1858673, MONDO:0011461, OMIM 604403.
Migraine, familial hemiplegic, 3. Identifiers: Orphanet 569, MedGen C1864987, MONDO:0012320, OMIM 609634.
Severe myoclonic epilepsy in infancy (DRVT). Also called: Dravet syndrome; SEVERE MYOCLONIC EPILEPSY OF INFANCY; DEVELOPMENTAL AND EPILEPTIC ENCEPHALOPATHY 6A; Epileptic encephalopathy, early infantile, 6 (Dravet syndrome); Severe Myoclonic Epilepsy in Infancy (SMEI). Identifiers: Orphanet 33069, MedGen C0751122, MONDO:0100135, OMIM 607208.

Submissions (15):

Institute of Human Genetics, University of Leipzig Medical Center
Classification: Pathogenic for Severe myoclonic epilepsy in infancy. Last evaluated: 2026-03-16. Review status: criteria provided, single submitter. Criteria: ACMG Guidelines, 2015. Collection method: clinical testing. Allele origin: unknown. Inheritance: Autosomal dominant inheritance. Affected: yes.
Comment: Criteria applied: PVS1,PS2,PS4,PM2_SUP

Labcorp Genetics (formerly Invitae), Labcorp
Classification: Pathogenic for Early-infantile DEE. Last evaluated: 2025-03-18. Review status: criteria provided, single submitter. Criteria: Invitae Variant Classification Sherloc (09022015). Collection method: clinical testing. Allele origin: germline.
Comment: This sequence change creates a premature translational stop signal (p.Ser1516*) in the SCN1A gene. It is expected to result in an absent or disrupted protein product. Loss-of-function variants in SCN1A are known to be pathogenic (PMID: 17347258, 18930999). This variant is not present in population databases (gnomAD no frequency). This premature translational stop signal has been observed in individual(s) with Dravet syndrome (PMID: 11940708, 19589774, 26544041). ClinVar contains an entry for this variant (Variation ID: 206837). Algorithms developed to predict the effect of sequence changes on RNA splicing suggest that this variant may disrupt the consensus splice site. For these reasons, this variant has been classified as Pathogenic.

Victorian Clinical Genetics Services, Murdoch Childrens Research Institute
Classification: Pathogenic for Severe myoclonic epilepsy in infancy. Last evaluated: 2024-10-10. Review status: criteria provided, single submitter. Criteria: ACMG Guidelines, 2015. Collection method: clinical testing. Allele origin: germline. Inheritance: Autosomal dominant inheritance. Affected: yes.
Comment: Based on the classification scheme VCGS_Germline_v1.3.5, this variant is classified as Pathogenic. Following criteria are met: 0103 - Loss of function and gain of function are known mechanisms of disease in this gene and are associated with SCN1A-related epilepsy (PMID: 28488083). (I) 0107 - This gene is associated with autosomal dominant disease. (I) 0112 - The condition associated with this gene has incomplete penetrance. Penetrance has been noted to vary by phenotype (PMID: 20301494). (I) 0115 - Variants in this gene are known to have variable expressivity. Both intrafamilial and interfamilial variability has been observed (PMID: 20301494). (I) 0201 - Variant is predicted to cause nonsense-mediated decay (NMD) and loss of protein (premature termination codon is located at least 54 nucleotides upstream of the final exon-exon junction). (SP) 0251 - This variant is heterozygous. (I) 0301 - Variant is absent from gnomAD (v2, v3 and v4). (SP) 0701 - Other NMD-predicted variants comparable to the one identified in this case have very strong previous evidence for pathogenicity (DECIPHER). (SP) 0801 - This variant has strong previous evidence of pathogenicity in unrelated individuals. This variant has been classified as pathogenic by multiple clinical laboratories in ClinVar. (SP) Legend: (SP) - Supporting pathogenic, (I) - Information, (SB) - Supporting benign

Blueprint Genetics
Classification: Pathogenic for SCN1A-related disorders. Last evaluated: 2024-07-22. Review status: criteria provided, single submitter. Criteria: ACMG Guidelines, 2015. Collection method: clinical testing. Allele origin: germline. Affected: yes. Observed: 4 variant alleles.

Neuberg Centre For Genomic Medicine, NCGM
Classification: Pathogenic for Generalized epilepsy with febrile seizures plus, type 2. Last evaluated: 2023-02-14. Review status: criteria provided, single submitter. Criteria: ACMG Guidelines, 2015. Collection method: clinical testing. Allele origin: germline. Inheritance: Autosomal dominant inheritance. Affected: yes.
Comment: The stop gained c.4547C>A(p.Ser1516Ter) variant in SCN1A gene has been reported previously in heterozygous state in multiple patients affected with epilepsy (Zhang Y, et. al., 2015). The c.4547C>A variant is novel (not in any individuals) in gnomAD Exomes and 1000 Genomes databases. This variant has been reported to the ClinVar database as Pathogenic (multiple submission). The nucleotide change c.4547C>A in SCN1A is predicted as conserved by GERP++ and PhyloP across 100 vertebrates. This variant is predicted to cause loss of normal protein function through protein truncation. Loss of function variants have been previously reported to be disease causing. For these reasons, this variant has been classified as Pathogenic.

GeneDx
Classification: Pathogenic. Last evaluated: 2022-04-15. Review status: criteria provided, single submitter. Criteria: GeneDx Variant Classification Process June 2021. Collection method: clinical testing. Allele origin: germline. Affected: yes.
Comment: Reported as a de novo variant in association with severe myoclonic epilepsy in infancy (SMEI) and Dravet syndrome (Sugawara et al., 2002; Mancardi et al., 2006; Harkin et al., 2007; Depienne et al., 2009; Doccini et al., 2015); Nonsense variant predicted to result in protein truncation or nonsense mediated decay in a gene for which loss-of-function is a known mechanism of disease; Not observed at significant frequency in large population cohorts (gnomAD); This variant is associated with the following publications: (PMID: 26544041, 17347258, 25525159, 24168886, 26169758, 11940708, 18930999, 28837158, 30525188, 17054684, 31864146, 32090326, 33108073)

Unidad de Genómica Garrahan, Hospital de Pediatría Garrahan
Classification: Pathogenic for Severe myoclonic epilepsy in infancy. Last evaluated: 2022-01-01. Review status: criteria provided, single submitter. Criteria: ACMG Guidelines, 2015. Collection method: clinical testing. Allele origin: de novo. Affected: yes. Observed: 1 variant allele.

Fulgent Genetics
Classification: Pathogenic for Generalized epilepsy with febrile seizures plus, type 2; Severe myoclonic epilepsy in infancy; Migraine, familial hemiplegic, 3. Last evaluated: 2018-10-31. Review status: criteria provided, single submitter. Criteria: ACMG Guidelines, 2015. Collection method: clinical testing. Allele origin: unknown.

Baylor Genetics
Classification: Pathogenic for Severe myoclonic epilepsy in infancy. Last evaluated: 2017-09-01. Review status: criteria provided, single submitter. Criteria: ACMG Guidelines, 2015. Collection method: clinical testing. Allele origin: de novo. Inheritance: Autosomal dominant inheritance. Affected: yes.

Athena Diagnostics
Classification: Pathogenic. Last evaluated: 2017-03-01. Review status: criteria provided, single submitter. Criteria: Athena Diagnostics Criteria. Collection method: clinical testing. Allele origin: germline.

Center of Genomic medicine, Geneva, University Hospital of Geneva
Classification: Pathogenic for Severe myoclonic epilepsy in infancy. Last evaluated: 2016-07-06. Review status: criteria provided, single submitter. Criteria: ACMG Guidelines, 2015. Collection method: clinical testing. Allele origin: de novo. Affected: yes.

Kasturba Medical College, Manipal, Kasturba Medical College, Manipal, Manipal Academy of Higher Education, Manipal, India
Classification: Pathogenic for Severe myoclonic epilepsy in infancy. Review status: criteria provided, single submitter. Criteria: ACMG Guidelines, 2015. Collection method: research. Allele origin: de novo. Inheritance: Autosomal dominant inheritance. Affected: yes. Observed: 1 heterozygote.
Comment: This variant is absent in homozygous and/or heterozygous state in the population database gnomAD (v4.1.0) and our in-house database of 3650 exomes. It is predicted to introduce a premature termination codon in the transcript which may likely lead to nonsense-mediated mRNA decay or the production of a truncated SCN1A protein.

PreventionGenetics, part of Exact Sciences
Classification: Pathogenic for SCN1A-related condition. Last evaluated: 2024-09-25. Review status: no assertion criteria provided. Collection method: clinical testing. Allele origin: germline. Not counted in ClinVar's aggregate classification.
Comment: The SCN1A c.4547C>A variant is predicted to result in premature protein termination (p.Ser1516*). This variant, often described in the literature with alternate nomenclature (c.4514C>A; p.Ser150*), has been reported in several individuals with SCN1A-related epilepsy (See for example, Sugawara et al 2002. PubMed ID: 11940708; Zhang et al. 2015. PubMed ID: 26544041; Stawicka et al. 2024 PubMed ID: 38785537). In the vast majority of these patients, the variant was found to have occurred de novo in the patient (See for example, Mancardi et al. 2006. PubMed ID: 17054684; Heron et al. 2010. PubMed ID: 19589774; Supplementary Table 1-2, Essajee et al. 2022. PubMed ID: 36084525). However, the variant has been inherited from a mosaic parent by report (Stosser et al. 2017. PubMed ID: 28837158; eTable1, Moreno-De-Luca et al. 2021. PubMed ID: 33528536). Notably, one child with this variant was reported to respond well to Perampanel (Turón-Viñas E et al 2021. PubMed ID: 34692895). This variant has not been reported in a large population database, indicating it is rare. Nonsense variants in SCN1A are expected to be pathogenic. This variant is interpreted as pathogenic.

Genome Diagnostics Laboratory, University Medical Center Utrecht
Classification: Pathogenic. Review status: no assertion criteria provided. Collection method: clinical testing. Allele origin: germline. Affected: yes. Study: VKGL Data-share Consensus. Not counted in ClinVar's aggregate classification.

Joint Genome Diagnostic Labs from Nijmegen and Maastricht, Radboudumc and MUMC+
Classification: Pathogenic. Review status: no assertion criteria provided. Collection method: clinical testing. Allele origin: germline. Affected: yes. Study: VKGL Data-share Consensus. Not counted in ClinVar's aggregate classification.

Literature cited by the submitters: PubMed 17347258 (cited by Labcorp Genetics (formerly Invitae), Labcorp and Athena Diagnostics); PubMed 18930999 (cited by Labcorp Genetics (formerly Invitae), Labcorp and Athena Diagnostics); PubMed 11940708 (cited by 3 submitters); PubMed 19589774 (cited by Labcorp Genetics (formerly Invitae), Labcorp and Athena Diagnostics); PubMed 26544041 (cited by Labcorp Genetics (formerly Invitae), Labcorp and Kasturba Medical College, Manipal, Kasturba Medical College, Manipal, Manipal Academy of Higher Education, Manipal, India); PubMed 20301494 (cited by Victorian Clinical Genetics Services, Murdoch Childrens Research Institute); PubMed 28488083 (cited by Victorian Clinical Genetics Services, Murdoch Childrens Research Institute); DOI 10.1055/s-0044-1786365 (cited by Unidad de Genómica Garrahan, Hospital de Pediatría Garrahan); PubMed 25326635 (cited by Baylor Genetics); PubMed 24168886 (cited by Athena Diagnostics); PubMed 17054684 (cited by Athena Diagnostics); PubMed 26169758 (cited by Athena Diagnostics); PubMed 14504318 (cited by Athena Diagnostics).

NM_001165963.4(SCN1A):c.4547C>A (p.Ser1516Ter)

Genes: SCN1A (sodium voltage-gated channel alpha subunit 1; minus strand), LOC102724058 (uncharacterized LOC102724058; plus strand). Cytogenetic location: 2q24.3.
Variant type: single nucleotide variant.
Coding change: c.4547C>A on transcript NM_001165963.4 (MANE Select); coding-DNA position 4547, C replaced by A.
Protein change: p.Ser1516Ter; replaces serine 1516 with a stop codon.
Molecular consequence: nonsense. On other transcripts: non-coding transcript variant (1).
Genome position (GRCh38, 1-based): chr2:165,996,047, G>T on the plus strand (C>A on the coding strand, the complement: SCN1A is on the minus strand). VCF-style: chr2-165996047-G-T. GRCh37 (hg19) VCF-style: chr2-166852557-G-T.
Other names: p.S1516*:TCG>TAG; NP_001159435.1:p.(Ser1516Ter); c.4547C>A (NM_001202435.1, NM_001165963.2); c.4463C>A, p.Ser1488Ter (NM_001165964.3, NM_001353957.2, NM_001353958.2); c.4547C>A, p.Ser1516Ter (NM_001202435.3, NM_001353948.2); c.4514C>A, p.Ser1505Ter (NM_001353949.2, NM_001353950.2, NM_001353951.2 and 2 more transcripts); c.4511C>A, p.Ser1504Ter (NM_001353954.2, NM_001353955.2); c.4460C>A, p.Ser1487Ter (NM_001353960.2); and 1 more; short protein forms S1505*, S1516*, S1487*, S1504*, S702*, S1488*.
Identifiers: ClinVar variation 206837 (VCV000206837.25), dbSNP rs139300715, ClinGen allele CA317493.